The following is an entry in ClinVar:

ClinVar aggregate classification (germline): Uncertain significance. Review status: criteria provided, multiple submitters, no conflicts (2 of 4 stars). 3 submissions from 2 submitters: Uncertain significance (3). Last evaluated 2024-01-24.

Conditions:
Bardet-Biedl syndrome (BBS). Identifiers: Orphanet 110, MedGen C0752166, MONDO:0015229.
McKusick-Kaufman syndrome (MKKS). Also called: HYDROMETROCOLPOS SYNDROME; HYDROMETROCOLPOS, POSTAXIAL POLYDACTYLY, AND CONGENITAL HEART MALFORMATION. Identifiers: Orphanet 2473, MedGen C0948368, MONDO:0009367, OMIM 236700.
Bardet-Biedl syndrome 6 (BBS6). Identifiers: Orphanet 110, MedGen C1858054, MONDO:0011523, OMIM 605231.

Allele frequency attached by ClinVar (database versions not stated): TOPMed 0.00005.
gnomAD v4.1: 9 of 1,613,996 alleles (0.00056%); highest among the groups gnomAD compares: East Asian, 0.011%; no homozygotes.

Submissions (3):

Labcorp Genetics (formerly Invitae), Labcorp
Classification: Uncertain significance for McKusick-Kaufman syndrome; Bardet-Biedl syndrome. Last evaluated: 2024-01-24. Review status: criteria provided, single submitter. Criteria: Invitae Variant Classification Sherloc (09022015). Collection method: clinical testing. Allele origin: germline.
Comment: This sequence change replaces aspartic acid, which is acidic and polar, with valine, which is neutral and non-polar, at codon 436 of the MKKS protein (p.Asp436Val). This variant is present in population databases (rs746696111, gnomAD 0.03%). This variant has not been reported in the literature in individuals affected with MKKS-related conditions. ClinVar contains an entry for this variant (Variation ID: 896932). Advanced modeling of protein sequence and biophysical properties (such as structural, functional, and spatial information, amino acid conservation, physicochemical variation, residue mobility, and thermodynamic stability) performed at Invitae indicates that this missense variant is not expected to disrupt MKKS protein function with a negative predictive value of 80%. In summary, the available evidence is currently insufficient to determine the role of this variant in disease. Therefore, it has been classified as a Variant of Uncertain Significance.

Illumina Laboratory Services, Illumina
Classification: Uncertain significance for Bardet-Biedl syndrome 6. Last evaluated: 2018-01-13. Review status: criteria provided, single submitter. Criteria: ICSL Variant Classification Criteria 13 December 2019. Collection method: clinical testing. Allele origin: germline.

Illumina Laboratory Services, Illumina
Classification: Uncertain significance for McKusick-Kaufman syndrome. Last evaluated: 2018-01-13. Review status: criteria provided, single submitter. Criteria: ICSL Variant Classification Criteria 13 December 2019. Collection method: clinical testing. Allele origin: germline.

NM_170784.3(MKKS):c.1307A>T (p.Asp436Val)

Gene: MKKS (MKKS centrosomal shuttling protein; minus strand). Cytogenetic location: 20p12.2.
Variant type: single nucleotide variant.
Coding change: c.1307A>T on transcript NM_170784.3 (MANE Select); coding-DNA position 1307, A replaced by T.
Protein change: p.Asp436Val; replaces aspartic acid 436 with valine.
Molecular consequence: missense variant. On other transcripts: non-coding transcript variant (1).
Genome position (GRCh38, 1-based): chr20:10,405,653, T>A on the plus strand (A>T on the coding strand, the complement: MKKS is on the minus strand). VCF-style: chr20-10405653-T-A. GRCh37 (hg19) VCF-style: chr20-10386301-T-A.
Other names: c.1307A>T, p.Asp436Val (NM_018848.3); short protein forms D436V.
Identifiers: ClinVar variation 896932 (VCV000896932.9), dbSNP rs746696111, ClinGen allele CA9763499.